The following is an entry in ClinVar:

ClinVar aggregate classification (germline): Likely benign (1 of 4 stars; one submission).

Conditions:
Hypercholesterolemia, autosomal dominant, 3 (FHCL3). Also called: Familial Hypercholesterolemia, Autosomal Dominant, 3; PCSK9-Related Familial Hypercholesterolemia, Autosomal Dominant; Familial hypercholesterolemia 3. Identifiers: MedGen C1863551, MONDO:0011369, OMIM 603776.

Submission:

All of Us Research Program, National Institutes of Health
Classification: Likely benign for Hypercholesterolemia, autosomal dominant, 3. Last evaluated: 2023-12-18. Review status: criteria provided, single submitter. Criteria: ACMG Guidelines, 2015. Collection method: clinical testing. Allele origin: germline. Inheritance: Autosomal dominant inheritance. Observed: 1 variant allele, 1 heterozygote.
Comment: This study involves interpretation of variants in research participants for the purpose of population health screening. Participant phenotype was not available at the time of variant classification. Additional details can be found in publication PMID: 35346344, PMCID: PMC8962531

NM_174936.4(PCSK9):c.1443G>A (p.Glu481=)

Gene: PCSK9 (proprotein convertase subtilisin/kexin type 9; plus strand). Cytogenetic location: 1p32.3.
Variant type: single nucleotide variant.
Coding change: c.1443G>A on transcript NM_174936.4 (MANE Select); coding-DNA position 1443, G replaced by A.
Protein change: p.Glu481=; no amino-acid change (glutamic acid 481 retained).
Molecular consequence: synonymous variant. On other transcripts: non-coding transcript variant (8), intron variant (1).
Genome position (GRCh38, 1-based): chr1:55,058,587, G>A. VCF-style: chr1-55058587-G-A. GRCh37 (hg19) VCF-style: chr1-55524260-G-A.
Other names: c.1566G>A, p.Glu522= (NM_001407240.1); c.1443G>A, p.Glu481= (NM_001407241.1); c.1446G>A, p.Glu482= (NM_001407242.1); c.1386G>A, p.Glu462= (NM_001407243.1); c.1269G>A, p.Glu423= (NM_001407244.1); c.1251G>A, p.Glu417= (NM_001407245.1); c.1068G>A, p.Glu356= (NM_001407246.1); c.1180+1073G>A (NM_001407247.1).
Identifiers: ClinVar variation 3075112 (VCV003075112.1), dbSNP rs2523263544, ClinGen allele CA417960312.
Genomic context (GRCh38, chr1:55,058,587, plus strand): 5'-GTCAGCACACTCGGGGCCTACACGGATGGCCACAGCCGTCGCCCGCTGCGCCCCAGATGA[G>A]GAGCTGCTGAGCTGCTCCAGTTTCTCCAGGAGTGGGAAGCGGCGGGGCGAGCGCATGGAG-3'
Protein context (NP_777596.2, residues 471-491): ATAVARCAPD[Glu481=]ELLSCSSFSR